The following is an entry in ClinVar:

NM_004304.5(ALK):c.1048T>G (p.Ser350Ala)

Gene: ALK (ALK receptor tyrosine kinase; minus strand). Cytogenetic location: 2p23.2.
Variant type: single nucleotide variant.
Coding change: c.1048T>G on transcript NM_004304.5 (MANE Select); coding-DNA position 1048, T replaced by G.
Protein change: p.Ser350Ala; replaces serine 350 with alanine.
Molecular consequence: missense variant.
Genome position (GRCh38, 1-based): chr2:29,532,021, A>C on the plus strand (T>G on the coding strand, the complement: ALK is on the minus strand). VCF-style: chr2-29532021-A-C. GRCh37 (hg19) VCF-style: chr2-29754887-A-C.
Other names: short protein forms S350A.
Identifiers: ClinVar variation 3223780 (VCV003223780.1), dbSNP rs2465284359, ClinGen allele CA346587386.

ClinVar aggregate classification (germline): Uncertain significance (1 of 4 stars; one submission).

Conditions:
Hereditary cancer-predisposing syndrome. Also called: Tumor predisposition; Hereditary neoplastic syndrome; Hereditary Cancer Syndrome; Neoplastic Syndromes, Hereditary. Identifiers: Orphanet 140162, MedGen C0027672, MeSH D009386, MONDO:0015356.

Allele frequency attached by ClinVar (database versions not stated): gnomAD exomes below 0.00001.
gnomAD v4.1: 1 of 1,614,158 alleles (0.000062%); highest among the groups gnomAD compares: Non-Finnish European, 0.000085%; no homozygotes.

Submission:

Ambry Genetics
Classification: Uncertain significance for Hereditary cancer-predisposing syndrome. Last evaluated: 2024-03-01. Review status: criteria provided, single submitter. Criteria: Ambry Variant Classification Scheme 2023. Collection method: clinical testing. Allele origin: germline.
Comment: The p.S350A variant (also known as c.1048T>G), located in coding exon 4 of the ALK gene, results from a T to G substitution at nucleotide position 1048. The serine at codon 350 is replaced by alanine, an amino acid with similar properties. This amino acid position is conserved. In addition, this alteration is predicted to be tolerated by in silico analysis. Based on the available evidence, the clinical significance of this alteration remains unclear.